The following is an entry in ClinVar:

ClinVar aggregate classification (germline): Uncertain significance. Review status: criteria provided, multiple submitters, no conflicts (2 of 4 stars). 2 submissions from 2 submitters: Uncertain significance (2). Last evaluated 2025-10-20.

Conditions:
Catecholaminergic polymorphic ventricular tachycardia (CVPT). Also called: Catecholamine-induced polymorphic ventricular tachycardia. Identifiers: Orphanet 3286, MedGen C5574922, MONDO:0017990.

Allele frequency attached by ClinVar (database versions not stated): TOPMed 0.00002; gnomAD exomes below 0.00001; gnomAD 0.00001.
gnomAD v4.1: 5 of 1,591,618 alleles (0.00031%); highest among the groups gnomAD compares: Admixed American, 0.0071%; no homozygotes.

Submissions (2):

Women's Health and Genetics/Laboratory Corporation of America, LabCorp
Classification: Uncertain significance. Last evaluated: 2025-10-20. Review status: criteria provided, single submitter. Criteria: LabCorp Variant Classification Summary - May 2015. Collection method: clinical testing. Allele origin: germline.
Comment: Variant summary: RYR2 c.13270G>C (p.Ala4424Pro) results in a non-conservative amino acid change in the encoded protein sequence. Algorithms developed to predict the effect of missense changes on protein structure and function are either unavailable or do not agree on the potential impact of this missense change. The frequency data for this variant in gnomAD is considered unreliable, as metrics indicate poor data quality at this position. To our knowledge, no occurrence of c.13270G>C in individuals affected with RYR2-related conditions and no experimental evidence demonstrating its impact on protein function have been reported. ClinVar contains an entry for this variant (Variation ID: 3074247). Based on the evidence outlined above, the variant was classified as uncertain significance.

All of Us Research Program, National Institutes of Health
Classification: Uncertain significance for Catecholaminergic polymorphic ventricular tachycardia. Last evaluated: 2023-12-01. Review status: criteria provided, single submitter. Criteria: ACMG Guidelines, 2015. Collection method: clinical testing. Allele origin: germline. Inheritance: Autosomal dominant inheritance. Observed: 1 variant allele, 1 heterozygote.
Comment: This study involves interpretation of variants in research participants for the purpose of population health screening. Participant phenotype was not available at the time of variant classification. Additional details can be found in publication PMID: 35346344, PMCID: PMC8962531

NM_001035.3(RYR2):c.13270G>C (p.Ala4424Pro)

Gene: RYR2 (ryanodine receptor 2; plus strand). Cytogenetic location: 1q43.
Variant type: single nucleotide variant.
Coding change: c.13270G>C on transcript NM_001035.3 (MANE Select); coding-DNA position 13270, G replaced by C.
Protein change: p.Ala4424Pro; replaces alanine 4424 with proline.
Molecular consequence: missense variant.
Genome position (GRCh38, 1-based): chr1:237,785,978, G>C. VCF-style: chr1-237785978-G-C. GRCh37 (hg19) VCF-style: chr1-237949278-G-C.
Other names: short protein forms A4424P.
Identifiers: ClinVar variation 3074247 (VCV003074247.2), dbSNP rs794728796, ClinGen allele CA007862.
Genomic context (GRCh38, chr1:237,785,978, plus strand): 5'-TCAAAGGTGATGGGTAATCCTGGTTTTCTTTTCCCCATTGACTCATTCAAGGAACAGAAG[G>C]CAAAAGAAGAAGAAAAGGAAGAAAAAGAAGAAACCAAATCTGAACCTGAAAAAGCCGAGT-3'
Protein context (NP_001026.2, residues 4414-4434): EVQEKFQEQK[Ala4424Pro]KEEEKEEKEE